The following is an entry in ClinVar:

NM_000229.2(LCAT):c.154+5G>A

Genes: LCAT (lecithin-cholesterol acyltransferase; minus strand), SLC12A4 (solute carrier family 12 member 4; minus strand). Cytogenetic location: 16q22.1.
Variant type: single nucleotide variant.
Coding change: c.154+5G>A on transcript NM_000229.2 (MANE Select); 5 bases into the intron after coding-DNA position 154, G replaced by A.
Molecular consequence: intron variant. On other transcripts: 3 prime UTR variant (5).
Genome position (GRCh38, 1-based): chr16:67,943,943, C>T on the plus strand (G>A on the coding strand, the complement: LCAT is on the minus strand). VCF-style: chr16-67943943-C-T. GRCh37 (hg19) VCF-style: chr16-67977846-C-T.
Other names: c.*897G>A (NM_001145961.2, NM_001145962.1, NM_001145963.2 and 2 more transcripts).
Identifiers: ClinVar variation 3573016 (VCV003573016.2).

ClinVar aggregate classification (germline): Uncertain significance (1 of 4 stars; one submission).

Conditions:
Norum disease. Also called: Familial lecithin cholesterol acyltransferase deficiency. Identifiers: Orphanet 79293, MedGen C0023195, MONDO:0009515, OMIM 245900.

gnomAD v4.1: 1 of 1,544,382 alleles (0.000065%); highest among the groups gnomAD compares: Non-Finnish European, 0.000087%; no homozygotes.

Submission:

Kasturba Medical College, Manipal, Kasturba Medical College, Manipal, Manipal Academy of Higher Education, Manipal, India
Classification: Uncertain significance for Norum disease. Review status: criteria provided, single submitter. Criteria: ACMG Guidelines, 2015. Collection method: research. Allele origin: biparental. Inheritance: Autosomal recessive inheritance. Affected: yes. Observed: 1 homozygote.
Comment: The variant is present in one individual in heterozygous state and absent in homozygous state in gnomAD (v4.1.0). This variant is absent in our in-house database of 3455 exomes